The following is an entry in ClinVar:

NM_172107.4(KCNQ2):c.1828G>C (p.Glu610Gln)

Gene: KCNQ2 (potassium voltage-gated channel subfamily Q member 2; minus strand). Cytogenetic location: 20q13.33.
Variant type: single nucleotide variant.
Coding change: c.1828G>C on transcript NM_172107.4 (MANE Select); coding-DNA position 1828, G replaced by C.
Protein change: p.Glu610Gln; replaces glutamic acid 610 with glutamine.
Molecular consequence: missense variant.
Genome position (GRCh38, 1-based): chr20:63,408,472, C>G on the plus strand (G>C on the coding strand, the complement: KCNQ2 is on the minus strand). VCF-style: chr20-63408472-C-G. GRCh37 (hg19) VCF-style: chr20-62039825-C-G.
Other names: c.1882G>C, p.Glu628Gln (NM_001382235.1); c.1744G>C, p.Glu582Gln (NM_004518.6); c.1774G>C, p.Glu592Gln (NM_172106.3); c.1735G>C, p.Glu579Gln (NM_172108.5); short protein forms E579Q, E582Q, E592Q, E610Q, E628Q.
Identifiers: ClinVar variation 1006547 (VCV001006547.9), dbSNP rs1350422852, ClinGen allele CA409640324.
Genomic context (GRCh38, chr20:63,408,472, plus strand): 5'-CCTGCTTCTCCACCTTCCCGAGCCGTCCCATCATGCTGGGGTCCTCGGGCAGCTCCGCCT[C>G]GGCCGGGCCCTTGGTGCGGTCCTTGTCCGTGATCGCTGGGCCCCGCCCCACGATCTGGTC-3'
Protein context (NP_742105.1, residues 600-620): TDKDRTKGPA[Glu610Gln]AELPEDPSMM

ClinVar aggregate classification (germline): Uncertain significance (1 of 4 stars; one submission).

Conditions:
Early-infantile DEE. Also called: Ohtahara syndrome; Early infantile epileptic encephalopathy with suppression bursts; Early infantile epileptic encephalopathy. Identifiers: Orphanet 1934, MedGen C0393706, MONDO:0800491.

Submission:

Labcorp Genetics (formerly Invitae), Labcorp
Classification: Uncertain significance for Early-infantile DEE. Last evaluated: 2020-08-25. Review status: criteria provided, single submitter. Criteria: Invitae Variant Classification Sherloc (09022015). Collection method: clinical testing. Allele origin: germline.
Comment: This sequence change replaces glutamic acid with glutamine at codon 610 of the KCNQ2 protein (p.Glu610Gln). The glutamic acid residue is moderately conserved and there is a small physicochemical difference between glutamic acid and glutamine. This variant is not present in population databases (ExAC no frequency). This variant has not been reported in the literature in individuals with KCNQ2-related conditions. Algorithms developed to predict the effect of missense changes on protein structure and function are either unavailable or do not agree on the potential impact of this missense change (SIFT: "Tolerated"; PolyPhen-2: "Probably Damaging"; Align-GVGD: "Class C0"). In summary, the available evidence is currently insufficient to determine the role of this variant in disease. Therefore, it has been classified as a Variant of Uncertain Significance.